The following is an entry in ClinVar:

NM_020937.4(FANCM):c.324G>A (p.Leu108=)

Gene: FANCM (FA complementation group M; plus strand). Cytogenetic location: 14q21.2.
Variant type: single nucleotide variant.
Coding change: c.324G>A on transcript NM_020937.4 (MANE Select); coding-DNA position 324, G replaced by A.
Protein change: p.Leu108=; no amino-acid change (leucine 108 retained).
Molecular consequence: synonymous variant.
Genome position (GRCh38, 1-based): chr14:45,136,355, G>A. VCF-style: chr14-45136355-G-A. GRCh37 (hg19) VCF-style: chr14-45605558-G-A.
Other names: c.324G>A, p.Leu108= (NM_001308133.2, NM_001308134.2); c.324G>A (NM_020937.3).
Identifiers: ClinVar variation 960275 (VCV000960275.11), dbSNP rs1885502120, ClinGen allele CA486345775.

ClinVar aggregate classification (germline): Conflicting classifications of pathogenicity. Review status: criteria provided, conflicting classifications (1 of 4 stars). 3 submissions from 3 submitters: Uncertain significance (1); Likely benign (2). Last evaluated 2025-07-15.

Conditions:
Inborn genetic diseases. Identifiers: MedGen C0950123, MeSH D030342.
Fanconi anemia (FA). Also called: Fanconi's anemia. Identifiers: Orphanet 84, MedGen C0015625, MeSH D005199, MONDO:0019391.

Submissions (3):

Ambry Genetics
Classification: Likely benign for Inborn genetic diseases. Last evaluated: 2025-07-15. Review status: criteria provided, single submitter. Criteria: Ambry Variant Classification Scheme 2023. Collection method: clinical testing. Allele origin: germline.

Quest Diagnostics Nichols Institute San Juan Capistrano
Classification: Uncertain significance. Last evaluated: 2025-03-31. Review status: criteria provided, single submitter. Criteria: Quest Diagnostics criteria. Collection method: clinical testing. Allele origin: unknown.
Comment: The FANCM c.324G>A (p.Leu108=) synonymous variant has not been reported in individuals with FANCM-related conditions in the published literature. It also has not been reported in large, multi-ethnic general populations (Genome Aggregation Database). Analysis of this variant using software algorithms for the prediction of the effect of nucleotide changes on splicing yielded predictions that this variant does not affect FANCM mRNA splicing. Based on the available information, we are unable to determine the clinical significance of this variant.

Labcorp Genetics (formerly Invitae), Labcorp
Classification: Likely benign for Fanconi anemia. Last evaluated: 2024-02-17. Review status: criteria provided, single submitter. Criteria: Invitae Variant Classification Sherloc (09022015). Collection method: clinical testing. Allele origin: germline.